The following is an entry in ClinVar:

NM_005751.5(AKAP9):c.6931A>G (p.Thr2311Ala)

Gene: AKAP9 (A-kinase anchoring protein 9; plus strand). Cytogenetic location: 7q21.2.
Variant type: single nucleotide variant.
Coding change: c.6931A>G on transcript NM_005751.5 (MANE Select); coding-DNA position 6931, A replaced by G.
Protein change: p.Thr2311Ala; replaces threonine 2311 with alanine.
Molecular consequence: missense variant.
Genome position (GRCh38, 1-based): chr7:92,077,861, A>G. VCF-style: chr7-92077861-A-G. GRCh37 (hg19) VCF-style: chr7-91707175-A-G.
Other names: c.1576A>G, p.Thr526Ala (NM_001379277.1); c.6907A>G, p.Thr2303Ala (NM_147185.3); short protein forms T2303A, T2311A, T526A.
Identifiers: ClinVar variation 1019209 (VCV001019209.11), dbSNP rs142509451, ClinGen allele CA4337197.
Genomic context (GRCh38, chr7:92,077,861, plus strand): 5'-GAGGTAGAAATTGACCAATTAAATGAACAAGTTACGAAACTCCAGCAGCAACTTAAAATT[A>G]CAACAGATAACAAGGTATACTCATTTAAAATTGATTATGAAATTAATATGAACCAGAGTT-3'
Protein context (NP_005742.4, residues 2301-2321): VTKLQQQLKI[Thr2311Ala]TDNKVIEEKN

ClinVar aggregate classification (germline): Uncertain significance. Review status: criteria provided, multiple submitters, no conflicts (2 of 4 stars). 2 submissions from 2 submitters: Uncertain significance (2). Last evaluated 2025-01-29.

Conditions:
Long QT syndrome (LQTS). Identifiers: MedGen C0023976, MeSH D008133, MONDO:0002442. Disease mechanism: loss of function. Inheritance: Various modes of inheritance.
Cardiovascular phenotype. Identifiers: MedGen CN230736.

Allele frequency attached by ClinVar (database versions not stated): ExAC 0.00001; gnomAD exomes 0.00001 and 0.00005; gnomAD 0.00002; TOPMed 0.00002; ESP Exome Variant Server 0.00008.

Submissions (2):

Labcorp Genetics (formerly Invitae), Labcorp
Classification: Uncertain significance for Long QT syndrome. Last evaluated: 2025-01-29. Review status: criteria provided, single submitter. Criteria: Invitae Variant Classification Sherloc (09022015). Collection method: clinical testing. Allele origin: germline.
Comment: This sequence change replaces threonine, which is neutral and polar, with alanine, which is neutral and non-polar, at codon 2311 of the AKAP9 protein (p.Thr2311Ala). This variant is present in population databases (rs142509451, gnomAD 0.007%). This variant has not been reported in the literature in individuals affected with AKAP9-related conditions. ClinVar contains an entry for this variant (Variation ID: 1019209). An algorithm developed to predict the effect of missense changes on protein structure and function outputs the following: PolyPhen-2: "Benign". The alanine amino acid residue is found in multiple mammalian species, which suggests that this missense change does not adversely affect protein function. In summary, the available evidence is currently insufficient to determine the role of this variant in disease. Therefore, it has been classified as a Variant of Uncertain Significance.

Ambry Genetics
Classification: Uncertain significance for Cardiovascular phenotype. Last evaluated: 2023-02-18. Review status: criteria provided, single submitter. Criteria: Ambry Variant Classification Scheme 2023. Collection method: clinical testing. Allele origin: germline.
Comment: The p.T2311A variant (also known as c.6931A>G), located in coding exon 30 of the AKAP9 gene, results from an A to G substitution at nucleotide position 6931. The threonine at codon 2311 is replaced by alanine, an amino acid with similar properties. This amino acid position is not well conserved in available vertebrate species, and alanine is the reference amino acid in other vertebrate species. In addition, this alteration is predicted to be tolerated by in silico analysis. Since supporting evidence is limited at this time, the clinical significance of this alteration remains unclear.